The following is an entry in ClinVar:

NM_001003800.2(BICD2):c.361C>G (p.Leu121Val)

Gene: BICD2 (BICD cargo adaptor 2; minus strand). Cytogenetic location: 9q22.31.
Variant type: single nucleotide variant.
Coding change: c.361C>G on transcript NM_001003800.2 (MANE Select); coding-DNA position 361, C replaced by G.
Protein change: p.Leu121Val; replaces leucine 121 with valine.
Molecular consequence: missense variant.
Genome position (GRCh38, 1-based): chr9:92,729,116, G>C on the plus strand (C>G on the coding strand, the complement: BICD2 is on the minus strand). VCF-style: chr9-92729116-G-C. GRCh37 (hg19) VCF-style: chr9-95491398-G-C.
Other names: c.361C>G, p.Leu121Val (NM_015250.4); short protein forms L121V.
Identifiers: ClinVar variation 3381915 (VCV003381915.3).

ClinVar aggregate classification (germline): Uncertain significance (1 of 4 stars; one submission).

Conditions:
Autosomal dominant childhood-onset proximal spinal muscular atrophy with contractures (SMALED2A). Also called: Spinal muscular atrophy, lower extremity-predominant, 2A, autosomal dominant; SPINAL MUSCULAR ATROPHY, LOWER EXTREMITY-PREDOMINANT, 2A, CHILDHOOD ONSET, AUTOSOMAL DOMINANT. Identifiers: Orphanet 363447, Orphanet 363454, MedGen C4747715, MONDO:0014121, OMIM 615290.
Spinal muscular atrophy, lower extremity-predominant, 2b, prenatal onset, autosomal dominant. Also called: Spinal muscular atrophy, lower extremity-predominant, 2B, autosomal dominant. Identifiers: MedGen C4749003, MONDO:0032660, OMIM 618291.

Submission:

Juno Genomics, Hangzhou Juno Genomics, Inc
Classification: Uncertain significance for Autosomal dominant childhood-onset proximal spinal muscular atrophy with contractures; Spinal muscular atrophy, lower extremity-predominant, 2b, prenatal onset, autosomal dominant. Review status: criteria provided, single submitter. Criteria: ACMG Guidelines, 2015. Collection method: clinical testing. Allele origin: germline. Affected: yes.
Comment: Absent from controls (or at extremely low frequency if recessive) in Genome Aggregation Database, Exome Sequencing Project, 1000 Genomes Project, or Exome Aggregation Consortium.;The prevalence of the variant in affected individuals is significantly increased compared to the prevalence in controls.;Patient's phenotype or family history is highly specific for a disease with a single genetic etiology.;Co-segregation with disease in multiple affected family members in a gene definitively known to cause the disease.